The following is an entry in ClinVar:

NM_014974.3(DIP2C):c.90C>T (p.Asp30=)

Gene: DIP2C (DIP2 acetate--CoA ligase C (putative); minus strand). Cytogenetic location: 10p15.3.
Variant type: single nucleotide variant.
Coding change: c.90C>T on transcript NM_014974.3 (MANE Select); coding-DNA position 90, C replaced by T.
Protein change: p.Asp30=; no amino-acid change (aspartic acid 30 retained).
Molecular consequence: synonymous variant.
Genome position (GRCh38, 1-based): chr10:486,526, G>A on the plus strand (C>T on the coding strand, the complement: DIP2C is on the minus strand). VCF-style: chr10-486526-G-A. GRCh37 (hg19) VCF-style: chr10-532466-G-A.
Identifiers: ClinVar variation 1551983 (VCV001551983.31), dbSNP rs201092214, ClinGen allele CA5381560.
Genomic context (GRCh38, chr10:486,526, plus strand): 5'-CTGCGGAAGGTAGGCTCCAATTAACTTTGACCTCTTCTTTTCATATCCTTTTTGTGTGAT[G>A]TCACCTGCAAGAGAAGGAAAATGAAGTTCAGTATGGTCTCCGTGGATAGAGCATTATCAT-3'
Protein context (NP_055789.1, residues 20-40): AELELELSEG[Asp30=]ITQKGYEKKR

ClinVar aggregate classification (germline): Benign/Likely benign. Review status: criteria provided, multiple submitters, no conflicts (2 of 4 stars). 2 submissions from 2 submitters: Benign (1); Likely benign (1). Last evaluated 2025-07-21.

Allele frequency attached by ClinVar (database versions not stated): gnomAD 0.00007 and 0.00023; TOPMed 0.00014; gnomAD exomes 0.00027 and 0.00042; ExAC 0.00046; 1000 Genomes Project 30x 0.00047; 1000 Genomes Project 0.00060.
gnomAD v4.1: 455 of 1,605,018 alleles (0.028%); highest among the groups gnomAD compares: South Asian, 0.3%; 1 homozygote.

Submissions (2):

Labcorp Genetics (formerly Invitae), Labcorp
Classification: Benign. Last evaluated: 2025-07-21. Review status: criteria provided, single submitter. Criteria: Invitae Variant Classification Sherloc (09022015). Collection method: clinical testing. Allele origin: germline.

CeGaT Center for Human Genetics Tuebingen
Classification: Likely benign. Last evaluated: 2023-01-01. Review status: criteria provided, single submitter. Criteria: CeGaT Center For Human Genetics Tuebingen Variant Classification Criteria Version 2. Collection method: clinical testing. Allele origin: germline. Affected: yes. Observed: 1 variant allele.
Comment: DIP2C: BP4, BP7